The following is an entry in ClinVar:

ClinVar aggregate classification (germline): Uncertain significance. Review status: criteria provided, multiple submitters, no conflicts (2 of 4 stars). 2 submissions from 2 submitters: Uncertain significance (2). Last evaluated 2021-09-07.

Conditions:
Familial hypobetalipoproteinemia 1. Also called: Hypobetalipoproteinemia, normotriglyceridemic; Acanthocytosis with hypobetalipoproteinemia; APOB-Related Familial Hypobetalipoproteinemia. Identifiers: MedGen C4551990, MONDO:0014252, OMIM 615558.
Hypercholesterolemia, autosomal dominant, type B (FHCL2). Also called: Familial Hypercholesterolemia Type B; HYPERCHOLESTEROLEMIA, FAMILIAL, DUE TO LIGAND-DEFECTIVE APOLIPOPROTEIN B; Familial hypercholesterolemia 2; APOB-Related Familial Hypercholesterolemia, Autosomal Dominant; APOLIPOPROTEIN B-100, FAMILIAL DEFECTIVE; APOLIPOPROTEIN B-100, FAMILIAL LIGAND-DEFECTIVE. Identifiers: MedGen C1704417, MONDO:0007751, OMIM 144010.

gnomAD v4.1: 4 of 1,614,040 alleles (0.00025%); highest among the groups gnomAD compares: Non-Finnish European, 0.00034%; no homozygotes.

Submissions (2):

Fulgent Genetics
Classification: Uncertain significance for Hypercholesterolemia, autosomal dominant, type B; Familial hypobetalipoproteinemia 1. Last evaluated: 2021-09-07. Review status: criteria provided, single submitter. Criteria: ACMG Guidelines, 2015. Collection method: clinical testing. Allele origin: unknown.

Labcorp Genetics (formerly Invitae), Labcorp
Classification: Uncertain significance for Familial hypobetalipoproteinemia 1; Hypercholesterolemia, autosomal dominant, type B. Last evaluated: 2019-10-06. Review status: criteria provided, single submitter. Criteria: Invitae Variant Classification Sherloc (09022015). Collection method: clinical testing. Allele origin: germline.
Comment: In summary, the available evidence is currently insufficient to determine the role of this variant in disease. Therefore, it has been classified as a Variant of Uncertain Significance. Algorithms developed to predict the effect of missense changes on protein structure and function (SIFT, PolyPhen-2, Align-GVGD) all suggest that this variant is likely to be tolerated, but these predictions have not been confirmed by published functional studies and their clinical significance is uncertain. This variant has not been reported in the literature in individuals with APOB-related conditions. This variant is not present in population databases (ExAC no frequency). This sequence change replaces isoleucine with methionine at codon 3696 of the APOB protein (p.Ile3696Met). The isoleucine residue is weakly conserved and there is a small physicochemical difference between isoleucine and methionine.

NM_000384.3(APOB):c.11088T>G (p.Ile3696Met)

Gene: APOB (apolipoprotein B; minus strand). Cytogenetic location: 2p24.1.
Variant type: single nucleotide variant.
Coding change: c.11088T>G on transcript NM_000384.3 (MANE Select); coding-DNA position 11088, T replaced by G.
Protein change: p.Ile3696Met; replaces isoleucine 3696 with methionine.
Molecular consequence: missense variant.
Genome position (GRCh38, 1-based): chr2:21,005,780, A>C on the plus strand (T>G on the coding strand, the complement: APOB is on the minus strand). VCF-style: chr2-21005780-A-C. GRCh37 (hg19) VCF-style: chr2-21228652-A-C.
Other names: short protein forms I3696M.
Identifiers: ClinVar variation 939638 (VCV000939638.12), dbSNP rs1663116627, ClinGen allele CA345983580.